The following is an entry in ClinVar:

NM_005121.3(MED13):c.4921G>A (p.Val1641Ile)

Gene: MED13 (mediator complex subunit 13; minus strand). Cytogenetic location: 17q23.2.
Variant type: single nucleotide variant.
Coding change: c.4921G>A on transcript NM_005121.3 (MANE Select); coding-DNA position 4921, G replaced by A.
Protein change: p.Val1641Ile; replaces valine 1641 with isoleucine.
Molecular consequence: missense variant.
Genome position (GRCh38, 1-based): chr17:61,962,895, C>T on the plus strand (G>A on the coding strand, the complement: MED13 is on the minus strand). VCF-style: chr17-61962895-C-T. GRCh37 (hg19) VCF-style: chr17-60040256-C-T.
Other names: short protein forms V1641I.
Identifiers: ClinVar variation 3052256 (VCV003052256.3), dbSNP rs111478006, ClinGen allele CA8692300.

ClinVar aggregate classification (germline): Likely benign. Review status: criteria provided, single submitter (1 of 4 stars). 2 submissions from 2 submitters: Likely benign (1). 1 of the submissions does not count toward it. Last evaluated 2025-08-24.

Conditions:
Inborn genetic diseases. Identifiers: MedGen C0950123, MeSH D030342.
MED13-related disorder. Also called: MED13-related condition.

Allele frequency attached by ClinVar (database versions not stated): gnomAD exomes 0.00007; ExAC 0.00012; ESP Exome Variant Server 0.00033; gnomAD 0.00034; TOPMed 0.00042; 1000 Genomes Project 30x 0.00078; 1000 Genomes Project 0.00080.
gnomAD v4.1: 185 of 1,614,044 alleles (0.011%); highest among the groups gnomAD compares: African/African-American, 0.16%; 6 homozygotes.

Submissions (2):

Ambry Genetics
Classification: Likely benign for Inborn genetic diseases. Last evaluated: 2025-08-24. Review status: criteria provided, single submitter. Criteria: Ambry Variant Classification Scheme 2023. Collection method: clinical testing. Allele origin: germline.

PreventionGenetics, part of Exact Sciences
Classification: Likely benign for MED13-related condition. Last evaluated: 2023-02-24. Review status: no assertion criteria provided. Collection method: clinical testing. Allele origin: germline. Not counted in ClinVar's aggregate classification.
Comment: This variant is classified as likely benign based on ACMG/AMP sequence variant interpretation guidelines (Richards et al. 2015 PMID: 25741868, with internal and published modifications).